The following is an entry in ClinVar:

ClinVar aggregate classification (germline): Uncertain significance (1 of 4 stars; one submission).

Submission:

Labcorp Genetics (formerly Invitae), Labcorp
Classification: Uncertain significance. Last evaluated: 2025-10-29. Review status: criteria provided, single submitter. Criteria: Invitae Variant Classification Sherloc (09022015). Collection method: clinical testing. Allele origin: germline.
Comment: This sequence change replaces aspartic acid, which is acidic and polar, with alanine, which is neutral and non-polar, at codon 315 of the ACTN1 protein (p.Asp315Ala). This variant is not present in population databases (gnomAD no frequency). This variant has not been reported in the literature in individuals affected with ACTN1-related conditions. Invitae Evidence Modeling of protein sequence and biophysical properties (such as structural, functional, and spatial information, amino acid conservation, physicochemical variation, residue mobility, and thermodynamic stability) indicates that this missense variant is not expected to disrupt ACTN1 protein function with a negative predictive value of 80%. In summary, the available evidence is currently insufficient to determine the role of this variant in disease. Therefore, it has been classified as a Variant of Uncertain Significance.

NM_001130004.2(ACTN1):c.944A>C (p.Asp315Ala)

Gene: ACTN1 (actinin alpha 1; minus strand). Cytogenetic location: 14q24.1.
Variant type: single nucleotide variant.
Coding change: c.944A>C on transcript NM_001130004.2 (MANE Select); coding-DNA position 944, A replaced by C.
Protein change: p.Asp315Ala; replaces aspartic acid 315 with alanine.
Molecular consequence: missense variant.
Genome position (GRCh38, 1-based): chr14:68,892,195, T>G on the plus strand (A>C on the coding strand, the complement: ACTN1 is on the minus strand). VCF-style: chr14-68892195-T-G. GRCh37 (hg19) VCF-style: chr14-69358912-T-G.
Other names: c.944A>C, p.Asp315Ala (NM_001102.4, NM_001130005.2, NM_001411035.1 and 9 more transcripts); c.749A>C, p.Asp250Ala (NM_001411036.1, NM_001424026.1, NM_001424028.1); c.1070A>C, p.Asp357Ala (NM_001424013.1); c.1031A>C, p.Asp344Ala (NM_001424015.1); c.941A>C, p.Asp314Ala (NM_001424017.1); c.881A>C, p.Asp294Ala (NM_001424018.1, NM_001424020.1, NM_001424022.1); c.875A>C, p.Asp292Ala (NM_001424021.1); c.119A>C, p.Asp40Ala (NM_001424030.1); short protein forms D314A, D294A, D357A, D40A, D250A, D292A, D315A, D344A.
Identifiers: ClinVar variation 4746537 (VCV004746537.1).
Genomic context (GRCh38, chr14:68,892,195, plus strand): 5'-TCCAGCTGGCACTTCTCCTGCACCTTGGGCGGCTTGTGCAGGCGCCGGTAGTCCCGGAAG[T>G]CCTCCAGCTTCTGTTGCATGGCATGCATGGTGTTCTCGGGCACCCGGTTCTCCAGCCACG-3'
Protein context (NP_001123476.1, residues 305-325): TMHAMQQKLE[Asp315Ala]FRDYRRLHKP